The following is an entry in ClinVar:

ClinVar aggregate classification (germline): Uncertain significance. Review status: criteria provided, multiple submitters, no conflicts (2 of 4 stars). 3 submissions from 3 submitters: Uncertain significance (3). Last evaluated 2025-07-09.

Conditions:
Aortic valve disease 2 (AOVD2). Identifiers: MedGen C3542024, MONDO:0013902, OMIM 614823.
Inborn genetic diseases. Identifiers: MedGen C0950123, MeSH D030342.

Allele frequency attached by ClinVar (database versions not stated): gnomAD 0.00001; TOPMed 0.00002.
gnomAD v4.1: 29 of 1,359,998 alleles (0.0021%); highest among the groups gnomAD compares: Non-Finnish European, 0.0026%; no homozygotes.

Submissions (3):

Ambry Genetics
Classification: Uncertain significance for Inborn genetic diseases. Last evaluated: 2025-07-09. Review status: criteria provided, single submitter. Criteria: Ambry Variant Classification Scheme 2023. Collection method: clinical testing. Allele origin: germline.
Comment: The p.S158G variant (also known as c.472A>G), located in coding exon 1 of the SMAD6 gene, results from an A to G substitution at nucleotide position 472. The serine at codon 158 is replaced by glycine, an amino acid with similar properties. This amino acid position is conserved. In addition, this alteration is predicted to be tolerated by in silico analysis. Since supporting evidence is limited at this time, the clinical significance of this alteration remains unclear.

Women's Health and Genetics/Laboratory Corporation of America, LabCorp
Classification: Uncertain significance. Last evaluated: 2025-06-26. Review status: criteria provided, single submitter. Criteria: LabCorp Variant Classification Summary - May 2015. Collection method: clinical testing. Allele origin: germline.

Labcorp Genetics (formerly Invitae), Labcorp
Classification: Uncertain significance for Aortic valve disease 2. Last evaluated: 2024-06-12. Review status: criteria provided, single submitter. Criteria: Invitae Variant Classification Sherloc (09022015). Collection method: clinical testing. Allele origin: germline.
Comment: This sequence change replaces serine, which is neutral and polar, with glycine, which is neutral and non-polar, at codon 158 of the SMAD6 protein (p.Ser158Gly). The frequency data for this variant in the population databases is considered unreliable, as metrics indicate poor data quality at this position in the gnomAD database. This variant has not been reported in the literature in individuals affected with SMAD6-related conditions. ClinVar contains an entry for this variant (Variation ID: 857851). Advanced modeling of protein sequence and biophysical properties (such as structural, functional, and spatial information, amino acid conservation, physicochemical variation, residue mobility, and thermodynamic stability) performed at Invitae indicates that this missense variant is not expected to disrupt SMAD6 protein function with a negative predictive value of 80%. In summary, the available evidence is currently insufficient to determine the role of this variant in disease. Therefore, it has been classified as a Variant of Uncertain Significance.

NM_005585.5(SMAD6):c.472A>G (p.Ser158Gly)

Gene: SMAD6 (SMAD family member 6; plus strand). Cytogenetic location: 15q22.31.
Variant type: single nucleotide variant.
Coding change: c.472A>G on transcript NM_005585.5 (MANE Select); coding-DNA position 472, A replaced by G.
Protein change: p.Ser158Gly; replaces serine 158 with glycine.
Molecular consequence: missense variant. On other transcripts: non-coding transcript variant (1).
Genome position (GRCh38, 1-based): chr15:66,703,730, A>G. VCF-style: chr15-66703730-A-G. GRCh37 (hg19) VCF-style: chr15-66996068-A-G.
Other names: short protein forms S158G.
Identifiers: ClinVar variation 857851 (VCV000857851.12), dbSNP rs1327929414, ClinGen allele CA392949618.